The following is an entry in ClinVar:

NM_025103.4(IFT74):c.768G>A (p.Met256Ile)

Gene: IFT74 (intraflagellar transport 74; plus strand). Cytogenetic location: 9p21.2.
Variant type: single nucleotide variant.
Coding change: c.768G>A on transcript NM_025103.4 (MANE Select); coding-DNA position 768, G replaced by A.
Protein change: p.Met256Ile; replaces methionine 256 with isoleucine.
Molecular consequence: missense variant.
Genome position (GRCh38, 1-based): chr9:27,011,947, G>A. VCF-style: chr9-27011947-G-A. GRCh37 (hg19) VCF-style: chr9-27011945-G-A.
Other names: c.768G>A, p.Met256Ile (NM_001099222.3, NM_001099223.3, NM_001099224.3 and 1 more transcripts); short protein forms M256I.
Identifiers: ClinVar variation 3350805 (VCV003350805.2).

ClinVar aggregate classification (germline): Uncertain significance (1 of 4 stars; one submission).

Conditions:
IFT74-related disorder. Also called: IFT74-related condition; IFT74-Related Disorders.

Submission:

PreventionGenetics, part of Exact Sciences
Classification: Uncertain significance for IFT74-related condition. Last evaluated: 2026-07-22. Review status: criteria provided, single submitter. Criteria: ACMG Guidelines, 2015. Collection method: clinical testing. Allele origin: germline.
Comment: The IFT74 c.768G>A variant is predicted to result in the amino acid substitution p.Met256Ile. To our knowledge, this variant has not been reported in the literature or in a large population database (gnomAD), indicating this variant is rare. At this time, the clinical significance of this variant is uncertain due to the absence of conclusive functional and genetic evidence.